The following is an entry in ClinVar:

NM_001267550.2(TTN):c.58867A>G (p.Lys19623Glu)

Genes: TTN (titin; minus strand), TTN-AS1 (TTN antisense RNA 1; plus strand). Cytogenetic location: 2q31.2.
Variant type: single nucleotide variant.
Coding change: c.58867A>G on transcript NM_001267550.2 (MANE Select); coding-DNA position 58867, A replaced by G.
Protein change: p.Lys19623Glu; replaces lysine 19623 with glutamic acid.
Molecular consequence: missense variant.
Genome position (GRCh38, 1-based): chr2:178,593,341, T>C on the plus strand (A>G on the coding strand, the complement: TTN is on the minus strand). VCF-style: chr2-178593341-T-C. GRCh37 (hg19) VCF-style: chr2-179458068-T-C.
Other names: p.K17982E:AAA>GAA; c.53944A>G, p.Lys17982Glu (NM_001256850.1); c.31672A>G, p.Lys10558Glu (NM_003319.4); c.51163A>G, p.Lys17055Glu (NM_133378.4); c.32047A>G, p.Lys10683Glu (NM_133432.3); c.32248A>G, p.Lys10750Glu (NM_133437.4); short protein forms K17982E, K19623E, K10558E, K17055E, K10750E, K10683E.
Identifiers: ClinVar variation 202313 (VCV000202313.3), dbSNP rs794729242, ClinGen allele CA309055.

ClinVar aggregate classification (germline): Likely benign (1 of 4 stars; one submission).

Submission:

GeneDx
Classification: Likely benign. Last evaluated: 2012-11-08. Review status: criteria provided, single submitter. Criteria: GeneDx Variant Classification (06012015). Collection method: clinical testing. Allele origin: germline. Affected: yes.
Comment: This variant is considered likely benign or benign based on one or more of the following criteria: it is a conservative change, it occurs at a poorly conserved position in the protein, it is predicted to be benign by multiple in silico algorithms, and/or has population frequency not consistent with disease.